The following is an entry in ClinVar:

ClinVar aggregate classification (germline): Uncertain significance. Review status: criteria provided, multiple submitters, no conflicts (2 of 4 stars). 6 submissions from 6 submitters: Uncertain significance (6). Last evaluated 2026-01-17.

Conditions:
Generalized epilepsy with febrile seizures plus, type 7 (GEFSP7). Also called: GEFS+, TYPE 7. Identifiers: Orphanet 36387, MedGen C2751778, MONDO:0013470, OMIM 613863.
Inborn genetic diseases. Identifiers: MedGen C0950123, MeSH D030342.
Neuropathy, hereditary sensory and autonomic, type 2A (HSAN2A). Also called: WNK1-Related HSAN2 (HSAN2A); ACROOSTEOLYSIS, GIACCAI TYPE; ACROOSTEOLYSIS, NEUROGENIC; HSAN IIA; MORVAN DISEASE; NEUROPATHY, CONGENITAL SENSORY. Identifiers: Orphanet 970, MedGen C2752089, MONDO:0024309, OMIM 201300.

Allele frequency attached by ClinVar (database versions not stated): ExAC 0.00001; gnomAD exomes 0.00004; gnomAD 0.00006; TOPMed 0.00007; ESP Exome Variant Server 0.00008.
gnomAD v4.1: 68 of 1,613,308 alleles (0.0042%); highest among the groups gnomAD compares: Admixed American, 0.015%; no homozygotes.

Submissions (6):

Labcorp Genetics (formerly Invitae), Labcorp
Classification: Uncertain significance for Neuropathy, hereditary sensory and autonomic, type 2A; Generalized epilepsy with febrile seizures plus, type 7. Last evaluated: 2026-01-17. Review status: criteria provided, single submitter. Criteria: Invitae Variant Classification Sherloc (09022015). Collection method: clinical testing. Allele origin: germline.
Comment: This sequence change replaces arginine, which is basic and polar, with glutamine, which is neutral and polar, at codon 214 of the SCN9A protein (p.Arg214Gln). This variant is present in population databases (rs201741634, gnomAD 0.01%). This variant has not been reported in the literature in individuals affected with SCN9A-related conditions. ClinVar contains an entry for this variant (Variation ID: 432286). Invitae Evidence Modeling of protein sequence and biophysical properties (such as structural, functional, and spatial information, amino acid conservation, physicochemical variation, residue mobility, and thermodynamic stability) has been performed for this missense variant. However, the output from this modeling did not meet the statistical confidence thresholds required to predict the impact of this variant on SCN9A protein function. In summary, the available evidence is currently insufficient to determine the role of this variant in disease. Therefore, it has been classified as a Variant of Uncertain Significance.

Blueprint Genetics
Classification: Uncertain significance. Last evaluated: 2024-11-26. Review status: criteria provided, single submitter. Criteria: ACMG Guidelines, 2015. Collection method: clinical testing. Allele origin: germline.

Ambry Genetics
Classification: Uncertain significance for Inborn genetic diseases. Last evaluated: 2021-12-01. Review status: criteria provided, single submitter. Criteria: Ambry Variant Classification Scheme 2023. Collection method: clinical testing. Allele origin: germline.
Comment: The p.R214Q variant (also known as c.641G>A), located in coding exon 5 of the SCN9A gene, results from a G to A substitution at nucleotide position 641. The arginine at codon 214 is replaced by glutamine, an amino acid with highly similar properties. The p.R214 residue is located in the transmembrane segment 4 of the DI-S4 domain, and arginines in this region are predicted to play a crucial role as voltage sensors. As such, the p.R214Q alteration is predicted to be a charge-altering amino acid substitution, although direct evidence is unavailable (Waxman SG et al. Lancet Neurol. 2014 Nov; 13(11): 1152&ndash;1160). This amino acid position is well conserved in available vertebrate species. In addition, this alteration is predicted to be deleterious by in silico analysis. Based on the supporting evidence, this variant is unlikely to be causative of primary erythermalgia/small fiber neuropathy and paroxysmal extreme pain disorder (PEPD); however, its contribution to the development of congenital insensitivity to pain (CIP) and hereditary sensory autonomic neuropathy type II (HSAN2D) is uncertain.

Baylor Genetics
Classification: Uncertain significance for Generalized epilepsy with febrile seizures plus, type 7. Last evaluated: 2018-06-16. Review status: criteria provided, single submitter. Criteria: ACMG Guidelines, 2015. Collection method: clinical testing. Allele origin: paternal. Affected: yes.
Comment: This variant was determined to be of uncertain significance according to ACMG Guidelines, 2015 [PMID:25741868].

GeneDx
Classification: Uncertain significance. Last evaluated: 2017-06-01. Review status: criteria provided, single submitter. Criteria: GeneDx Variant Classification (06012015). Collection method: clinical testing. Allele origin: germline. Affected: yes.
Comment: A variant of uncertain significance has been identified in the SCN9A gene. The R214Q variant has not been published as a pathogenic variant, nor has it been reported as a benign variant to our knowledge. The R214Q variant is not observed at a significant frequency in large population cohorts (Lek et al., 2016; 1000 Genomes Consortium et al., 2015; Exome Variant Server). The R214Q variant is a semi-conservative amino acid substitution, which may impact secondary protein structure as these residues differ in some properties. This substitution occurs at a position that is conserved across species. In silico analysis predicts this variant is probably damaging to the protein structure/function. Based on the currently available information, it is unclear whether this variant is a pathogenic variant or a rare benign variant.

ARUP Laboratories, Molecular Genetics and Genomics, ARUP Laboratories
Classification: Uncertain significance. Last evaluated: 2016-11-29. Review status: criteria provided, single submitter. Criteria: ARUP Molecular Germline Variant Investigation Process. Collection method: clinical testing. Allele origin: germline.

Literature cited by the submitters: PubMed 25316021 (cited by Ambry Genetics).

NM_001365536.1(SCN9A):c.641G>A (p.Arg214Gln)

Gene: SCN9A (sodium voltage-gated channel alpha subunit 9; minus strand). Cytogenetic location: 2q24.3.
Variant type: single nucleotide variant.
Coding change: c.641G>A on transcript NM_001365536.1 (MANE Select); coding-DNA position 641, G replaced by A.
Protein change: p.Arg214Gln; replaces arginine 214 with glutamine.
Molecular consequence: missense variant.
Genome position (GRCh38, 1-based): chr2:166,304,285, C>T on the plus strand (G>A on the coding strand, the complement: SCN9A is on the minus strand). VCF-style: chr2-166304285-C-T. GRCh37 (hg19) VCF-style: chr2-167160795-C-T.
Other names: c.641G>A, p.Arg214Gln (NM_002977.4); short protein forms R214Q.
Identifiers: ClinVar variation 432286 (VCV000432286.20), dbSNP rs201741634, ClinGen allele CA1944741.